The following is an entry in ClinVar:

ClinVar aggregate classification (germline): Uncertain significance (1 of 4 stars; one submission).

Submission:

GeneDx
Classification: Uncertain significance. Last evaluated: 2025-02-27. Review status: criteria provided, single submitter. Criteria: GeneDx Variant Classification Process June 2021. Collection method: clinical testing. Allele origin: germline. Affected: yes.
Comment: Not observed at significant frequency in large population cohorts (gnomAD); In silico analysis supports that this missense variant has a deleterious effect on protein structure/function; Missense variants in this gene are a common cause of disease and they are underrepresented in the general population; Has not been previously published as pathogenic or benign to our knowledge; This variant is associated with the following publications: (PMID: 23569079)

NM_001244710.2(GFPT1):c.1279A>T (p.Thr427Ser)

Gene: GFPT1 (glutamine--fructose-6-phosphate transaminase 1; minus strand). Cytogenetic location: 2p13.3.
Variant type: single nucleotide variant.
Coding change: c.1279A>T on transcript NM_001244710.2 (MANE Select); coding-DNA position 1279, A replaced by T.
Protein change: p.Thr427Ser; replaces threonine 427 with serine.
Molecular consequence: missense variant.
Genome position (GRCh38, 1-based): chr2:69,338,490, T>A on the plus strand (A>T on the coding strand, the complement: GFPT1 is on the minus strand). VCF-style: chr2-69338490-T-A. GRCh37 (hg19) VCF-style: chr2-69565622-T-A.
Other names: c.1225A>T, p.Thr409Ser (NM_002056.4); short protein forms T409S, T427S.
Identifiers: ClinVar variation 4077359 (VCV004077359.1).